The following is an entry in ClinVar:

ClinVar aggregate classification (germline): Likely benign. Review status: criteria provided, multiple submitters, no conflicts (2 of 4 stars). 3 submissions from 3 submitters: Likely benign (2). 1 of the submissions does not count toward it. Last evaluated 2026-04-01.

Conditions:
MYT1L-related disorder. Also called: MYT1L-related condition.

Allele frequency attached by ClinVar (database versions not stated): gnomAD 0.00008 and 0.00009; TOPMed 0.00010; gnomAD exomes 0.00011 and 0.00019; ExAC 0.00017; ESP Exome Variant Server 0.00033.
gnomAD v4.1: 190 of 1,613,838 alleles (0.012%); highest among the groups gnomAD compares: South Asian, 0.011%; 1 homozygote.

Submissions (3):

CeGaT Center for Human Genetics Tuebingen
Classification: Likely benign. Last evaluated: 2026-04-01. Review status: criteria provided, single submitter. Criteria: CeGaT Center For Human Genetics Tuebingen Variant Classification Criteria Version 2. Collection method: clinical testing. Allele origin: germline. Affected: yes. Observed: 1 variant allele.
Comment: MYT1L: BP4, BS1

GeneDx
Classification: Likely benign. Last evaluated: 2021-05-25. Review status: criteria provided, single submitter. Criteria: GeneDx Variant Classification Process June 2021. Collection method: clinical testing. Allele origin: germline. Affected: yes.

PreventionGenetics, part of Exact Sciences
Classification: Likely benign for MYT1L-related condition. Last evaluated: 2019-06-05. Review status: no assertion criteria provided. Collection method: clinical testing. Allele origin: germline. Not counted in ClinVar's aggregate classification.
Comment: This variant is classified as likely benign based on ACMG/AMP sequence variant interpretation guidelines (Richards et al. 2015 PMID: 25741868, with internal and published modifications).

NM_001303052.2(MYT1L):c.2564G>A (p.Arg855Gln)

Gene: MYT1L (myelin transcription factor 1 like; minus strand). Cytogenetic location: 2p25.3.
Variant type: single nucleotide variant.
Coding change: c.2564G>A on transcript NM_001303052.2 (MANE Select); coding-DNA position 2564, G replaced by A.
Protein change: p.Arg855Gln; replaces arginine 855 with glutamine.
Molecular consequence: missense variant.
Genome position (GRCh38, 1-based): chr2:1,887,566, C>T on the plus strand (G>A on the coding strand, the complement: MYT1L is on the minus strand). VCF-style: chr2-1887566-C-T. GRCh37 (hg19) VCF-style: chr2-1891338-C-T.
Other names: c.2564G>A, p.Arg855Gln (NM_001329844.2, NM_001329845.1, NM_001329851.3); c.2558G>A, p.Arg853Gln (NM_001329846.3, NM_001329847.2, NM_001329848.1 and 3 more transcripts); c.2564G>A (NM_001303052.1); short protein forms R853Q, R855Q.
Identifiers: ClinVar variation 1326752 (VCV001326752.6), dbSNP rs200730994, ClinGen allele CA1514002.